The following is an entry in ClinVar:

NM_001128840.3(CACNA1D):c.1390A>G (p.Thr464Ala)

Gene: CACNA1D (calcium voltage-gated channel subunit alpha1 D; plus strand). Cytogenetic location: 3p21.1.
Variant type: single nucleotide variant.
Coding change: c.1390A>G on transcript NM_001128840.3 (MANE Select); coding-DNA position 1390, A replaced by G.
Protein change: p.Thr464Ala; replaces threonine 464 with alanine.
Molecular consequence: missense variant.
Genome position (GRCh38, 1-based): chr3:53,702,810, A>G. VCF-style: chr3-53702810-A-G. GRCh37 (hg19) VCF-style: chr3-53736837-A-G.
Other names: c.1390A>G, p.Thr464Ala (NM_000720.4, NM_001128839.3); short protein forms T464A.
Identifiers: ClinVar variation 1937385 (VCV001937385.6), dbSNP rs764734420, ClinGen allele CA2453904.
Genomic context (GRCh38, chr3:53,702,810, plus strand): 5'-CAAGCTGAGGACATCGATCCGGAGAATGAGGAAGAAGGAGGAGAGGAAGGCAAACGAAAT[A>G]GTATGTAGCGCCTTTCCTGCCCCTGGCTAGACAGACCCAGTGTGCGGTTCAGACGCCTAG-3'
Protein context (NP_001122312.1, residues 454-474): EEGGEEGKRN[Thr464Ala]SMPTSETESV

ClinVar aggregate classification (germline): Uncertain significance. Review status: criteria provided, multiple submitters, no conflicts (2 of 4 stars). 2 submissions from 2 submitters: Uncertain significance (2). Last evaluated 2022-03-19.

Allele frequency attached by ClinVar (database versions not stated): ExAC 0.00001; gnomAD exomes 0.00001.
gnomAD v4.1: 3 of 1,614,152 alleles (0.00019%); highest among the groups gnomAD compares: Admixed American, 0.005%; no homozygotes.

Submissions (2):

Labcorp Genetics (formerly Invitae), Labcorp
Classification: Uncertain significance. Last evaluated: 2022-03-19. Review status: criteria provided, single submitter. Criteria: Invitae Variant Classification Sherloc (09022015). Collection method: clinical testing. Allele origin: germline.
Comment: This variant has not been reported in the literature in individuals affected with CACNA1D-related conditions. This variant is present in population databases (rs764734420, gnomAD 0.01%). This sequence change replaces threonine, which is neutral and polar, with alanine, which is neutral and non-polar, at codon 464 of the CACNA1D protein (p.Thr464Ala). In summary, the available evidence is currently insufficient to determine the role of this variant in disease. Therefore, it has been classified as a Variant of Uncertain Significance. Algorithms developed to predict the effect of missense changes on protein structure and function (SIFT, PolyPhen-2, Align-GVGD) all suggest that this variant is likely to be tolerated.

Blueprint Genetics
Classification: Uncertain significance. Last evaluated: 2021-06-28. Review status: criteria provided, single submitter. Criteria: ACMG Guidelines, 2015. Collection method: clinical testing. Allele origin: germline.